The following is an entry in ClinVar:

NM_001845.6(COL4A1):c.2869+6T>C

Gene: COL4A1 (collagen type IV alpha 1 chain; minus strand). Cytogenetic location: 13q34.
Variant type: single nucleotide variant.
Coding change: c.2869+6T>C on transcript NM_001845.6 (MANE Select); 6 bases into the intron after coding-DNA position 2869, T replaced by C.
Molecular consequence: intron variant.
Genome position (GRCh38, 1-based): chr13:110,176,879, A>G on the plus strand (T>C on the coding strand, the complement: COL4A1 is on the minus strand). VCF-style: chr13-110176879-A-G. GRCh37 (hg19) VCF-style: chr13-110829226-A-G.
Other names: c.2869+6T>C (NM_001845.5).
Identifiers: ClinVar variation 311048 (VCV000311048.17), dbSNP rs557198622, ClinGen allele CA7047475.
Genomic context (GRCh38, chr13:110,176,879, plus strand): 5'-ACCCGATAACCCAGGAAAGGCACATTGTGGTTCCGAGCTTGGCCATGAGAAGCCTCCTGG[A>G]CTTGCCTTTCTCTCCTTGGTCTCCTTTCTGGCCCTTCATGCTGCCCATGTCCACCTTATC-3'

ClinVar aggregate classification (germline): Conflicting classifications of pathogenicity. Review status: criteria provided, conflicting classifications (1 of 4 stars). 5 submissions from 4 submitters: Uncertain significance (1); Benign (2); Likely benign (1). 1 of the submissions does not count toward it. Last evaluated 2025-09-13.

Conditions:
COL4A1-related disorder. Also called: COL4A1-related condition; COL4A1-related disorders. Identifiers: MedGen CN376119, MONDO:0800461.
Brain small vessel disease 1 with or without ocular anomalies (BSVD1). Also called: BRAIN SMALL VESSEL DISEASE WITH HEMORRHAGE; GOULD SYNDROME 1; PORENCEPHALY, TYPE 1, AUTOSOMAL DOMINANT; Brain small vessel disease with or without ocular anomalies. Identifiers: Orphanet 2940, Orphanet 36383, Orphanet 99810, MedGen C4755307, MONDO:0008289, OMIM 175780.
Autosomal dominant familial hematuria-retinal arteriolar tortuosity-contractures syndrome. Also called: Angiopathy, hereditary, with nephropathy, aneurysms, and muscle cramps; Hereditary Angiopathy with Nephropathy, Aneurysms, and Muscle Cramps (HANAC) Syndrome. Identifiers: Orphanet 73229, MedGen C2673195, MONDO:0012726, OMIM 611773.
Microangiopathy and leukoencephalopathy, pontine, autosomal dominant. Also called: DEMENTIA, HEREDITARY MULTI-INFARCT, SWEDISH TYPE; Pontine autosomal dominant microangiopathy with leukoencephalopathy. Identifiers: Orphanet 477749, MedGen C5231411, MONDO:0032814, OMIM 618564.
Retinal arterial tortuosity. Also called: RETINAL HEMORRHAGE WITH VASCULAR TORTUOSITY; Retinal arteries, tortuosity of. Identifiers: Orphanet 75326, MedGen C0423401, MONDO:0008373, OMIM 180000, HP:0000631.
Hemorrhage, intracerebral, susceptibility to (ICH). Also called: Stroke, hemorrhagic, susceptibility to. Identifiers: MedGen C3281105, MONDO:0100533, OMIM 614519.

Allele frequency attached by ClinVar (database versions not stated): TOPMed below 0.00001; gnomAD 0.00003; gnomAD exomes 0.00004 and 0.00008; ExAC 0.00010; 1000 Genomes Project 30x 0.00047; 1000 Genomes Project 0.00060.
gnomAD v4.1: 60 of 1,614,210 alleles (0.0037%); highest among the groups gnomAD compares: South Asian, 0.059%; no homozygotes.

Submissions (5):

Labcorp Genetics (formerly Invitae), Labcorp
Classification: Uncertain significance. Last evaluated: 2025-09-13. Review status: criteria provided, single submitter. Criteria: Invitae Variant Classification Sherloc (09022015). Collection method: clinical testing. Allele origin: germline.
Comment: This sequence change falls in intron 34 of the COL4A1 gene. It does not directly change the encoded amino acid sequence of the COL4A1 protein. It affects a nucleotide within the consensus splice site. This variant is present in population databases (rs557198622, gnomAD 0.06%), and has an allele count higher than expected for a pathogenic variant. This variant has not been reported in the literature in individuals affected with COL4A1-related conditions. ClinVar contains an entry for this variant (Variation ID: 311048). Variants that disrupt the consensus splice site are a relatively common cause of aberrant splicing (PMID: 17576681, 9536098). Algorithms developed to predict the effect of sequence changes on RNA splicing suggest that this variant may disrupt the consensus splice site. In summary, the available evidence is currently insufficient to determine the role of this variant in disease. Therefore, it has been classified as a Variant of Uncertain Significance.

Fulgent Genetics
Classification: Likely benign for Brain small vessel disease 1 with or without ocular anomalies; Retinal arterial tortuosity; Autosomal dominant familial hematuria-retinal arteriolar tortuosity-contractures syndrome; Hemorrhage, intracerebral, susceptibility to; Microangiopathy and leukoencephalopathy, pontine, autosomal dominant. Last evaluated: 2024-05-09. Review status: criteria provided, single submitter. Criteria: ACMG Guidelines, 2015. Collection method: clinical testing. Allele origin: germline.

Illumina Laboratory Services, Illumina
Classification: Benign for Autosomal dominant familial hematuria-retinal arteriolar tortuosity-contractures syndrome. Last evaluated: 2018-01-13. Review status: criteria provided, single submitter. Criteria: ICSL Variant Classification Criteria 13 December 2019. Collection method: clinical testing. Allele origin: germline.
Comment: This variant was observed in the ICSL laboratory as part of a predisposition screen in an ostensibly healthy population. It had not been previously curated by ICSL or reported in the Human Gene Mutation Database (HGMD: prior to June 1st, 2018), and was therefore a candidate for classification through an automated scoring system. Utilizing variant allele frequency, disease prevalence and penetrance estimates, and inheritance mode, an automated score was calculated to assess if this variant is too frequent to cause the disease. Based on the score and internal cut-off values, a variant classified as benign is not then subjected to further curation. The score for this variant resulted in a classification of benign for this disease.

Illumina Laboratory Services, Illumina
Classification: Benign for Brain small vessel disease 1 with or without ocular anomalies. Last evaluated: 2018-01-13. Review status: criteria provided, single submitter. Criteria: ICSL Variant Classification Criteria 13 December 2019. Collection method: clinical testing. Allele origin: germline.
Comment: the same text as in the submission from Illumina Laboratory Services, Illumina above.

PreventionGenetics, part of Exact Sciences
Classification: Likely benign for COL4A1-related condition. Last evaluated: 2019-05-08. Review status: no assertion criteria provided. Collection method: clinical testing. Allele origin: germline. Not counted in ClinVar's aggregate classification.
Comment: This variant is classified as likely benign based on ACMG/AMP sequence variant interpretation guidelines (Richards et al. 2015 PMID: 25741868, with internal and published modifications).

Literature cited by the submitters: PubMed 17576681 (cited by Labcorp Genetics (formerly Invitae), Labcorp); PubMed 9536098 (cited by Labcorp Genetics (formerly Invitae), Labcorp).